The following is an entry in ClinVar:

ClinVar aggregate classification (germline): Pathogenic. Review status: criteria provided, multiple submitters, no conflicts (2 of 4 stars). 2 submissions from 2 submitters: Pathogenic (2). Last evaluated 2025-05-15.

Conditions:
Early-infantile DEE. Also called: Early infantile epileptic encephalopathy; Ohtahara syndrome; Early infantile epileptic encephalopathy with suppression bursts. Identifiers: Orphanet 1934, MedGen C0393706, MONDO:0800491.

Submissions (2):

GeneDx
Classification: Pathogenic. Last evaluated: 2025-05-15. Review status: criteria provided, single submitter. Criteria: GeneDx Variant Classification Process June 2021. Collection method: clinical testing. Allele origin: germline. Affected: yes.
Comment: Frameshift variant predicted to result in abnormal protein length as the last 220 amino acid(s) are replaced with 211 different amino acid(s), and other similar variants have been reported in HGMD; Not observed at significant frequency in large population cohorts (gnomAD); This variant is associated with the following publications: (PMID: 28926830)

Labcorp Genetics (formerly Invitae), Labcorp
Classification: Pathogenic for Early-infantile DEE. Last evaluated: 2024-01-17. Review status: criteria provided, single submitter. Criteria: Invitae Variant Classification Sherloc (09022015). Collection method: clinical testing. Allele origin: germline.
Comment: This sequence change creates a premature translational stop signal (p.Thr653Aspfs*212) in the KCNQ2 gene. While this is not anticipated to result in nonsense mediated decay, it is expected to disrupt the last 220 amino acid(s) of the KCNQ2 protein. This variant is not present in population databases (gnomAD no frequency). This premature translational stop signal has been observed in individual(s) with KCNQ2-related conditions (PMID: 28926830). In at least one individual the variant was observed to be de novo. This variant disrupts a region of the KCNQ2 protein in which other variant(s) (p.Lys829Serfs*35) have been determined to be pathogenic (Invitae). This suggests that this is a clinically significant region of the protein, and that variants that disrupt it are likely to be disease-causing. For these reasons, this variant has been classified as Pathogenic.

Literature cited by the submitters: PubMed 28926830 (cited by Labcorp Genetics (formerly Invitae), Labcorp).

NM_172107.4(KCNQ2):c.1955dup (p.Thr653fs)

Gene: KCNQ2 (potassium voltage-gated channel subfamily Q member 2; minus strand). Cytogenetic location: 20q13.33.
Variant type: Duplication.
Coding change: c.1955dup on transcript NM_172107.4 (MANE Select); coding-DNA position 1955, one base duplicated (C; older notation c.1955dupC).
Protein change: p.Thr653fs; shifts the reading frame from threonine 653.
Molecular consequence: frameshift variant.
Genome position (GRCh38, 1-based): chr20:63,407,308, G duplicated on the plus strand (C on the coding strand, the reverse complement: KCNQ2 is on the minus strand); the first of 6 consecutive G bases (chr20:63,407,308-63,407,313); duplicating any one gives the same sequence. VCF-style (leftmost placement, unchanged base first): chr20-63407307-C-CG. GRCh37 (hg19) VCF-style: chr20-62038660-C-CG.
Other names: c.1955dup (NM_172107.2); c.2009dup, p.Thr671fs (NM_001382235.1); c.1871dup, p.Thr625fs (NM_004518.6); c.1901dup, p.Thr635fs (NM_172106.3); c.1862dup, p.Thr622fs (NM_172108.5); short protein forms T622fs, T671fs, T625fs, T635fs, T653fs.
Identifiers: ClinVar variation 2910467 (VCV002910467.4), dbSNP rs2516104486, ClinGen allele CA2653806166.